The following is an entry in ClinVar:

NM_006186.4(NR4A2):c.867C>T (p.Arg289=)

Gene: NR4A2 (nuclear receptor subfamily 4 group A member 2; minus strand). Cytogenetic location: 2q24.1.
Variant type: single nucleotide variant.
Coding change: c.867C>T on transcript NM_006186.4 (MANE Select); coding-DNA position 867, C replaced by T.
Protein change: p.Arg289=; no amino-acid change (arginine 289 retained).
Molecular consequence: synonymous variant.
Genome position (GRCh38, 1-based): chr2:156,328,531, G>A on the plus strand (C>T on the coding strand, the complement: NR4A2 is on the minus strand). VCF-style: chr2-156328531-G-A. GRCh37 (hg19) VCF-style: chr2-157185043-G-A.
Other names: c.678C>T, p.Arg226= (NM_173173.3).
Identifiers: ClinVar variation 4823502 (VCV004823502.4).

ClinVar aggregate classification (germline): Likely benign (1 of 4 stars; one submission).

Submission:

CeGaT Center for Human Genetics Tuebingen
Classification: Likely benign. Last evaluated: 2026-03-01. Review status: criteria provided, single submitter. Criteria: CeGaT Center For Human Genetics Tuebingen Variant Classification Criteria Version 2. Collection method: clinical testing. Allele origin: germline. Affected: yes. Observed: 1 variant allele.
Comment: NR4A2: PM2:Supporting, BP4, BP7